The following is an entry in ClinVar:

NM_007294.4(BRCA1):c.5153-18T>A

Gene: BRCA1 (BRCA1 DNA repair associated; minus strand). Cytogenetic location: 17q21.31.
Variant type: single nucleotide variant.
Coding change: c.5153-18T>A on transcript NM_007294.4 (MANE Select); 18 bases into the intron before coding-DNA position 5153, T replaced by A.
Molecular consequence: intron variant.
Genome position (GRCh38, 1-based): chr17:43,063,391, A>T on the plus strand (T>A on the coding strand, the complement: BRCA1 is on the minus strand). VCF-style: chr17-43063391-A-T. GRCh37 (hg19) VCF-style: chr17-41215408-A-T.
Other names: c.4886-18T>A (NM_001407927.1, NM_001407931.1, NM_001407932.1 and 4 more transcripts); c.4889-18T>A (NM_001407923.1, NM_001407922.1, NM_001407925.1 and 4 more transcripts); c.5009-18T>A (NM_001407739.1, NM_001407741.1, NM_001407747.1 and 21 more transcripts); c.5012-18T>A (NM_001407725.1, NM_001407727.1, NM_001407724.1 and 13 more transcripts); c.1724-18T>A (NM_001408422.1, NM_001408423.1, NM_001408421.1 and 1 more transcripts); c.4940-18T>A (NM_001407896.1, NM_001407900.1, NM_001407571.1 and 12 more transcripts); c.4817-18T>A (NM_001407952.1, NM_001407950.1, NM_001407953.1 and 3 more transcripts); c.5006-18T>A (NM_001407841.1, NM_001407838.1, NM_001407848.1 and 12 more transcripts); and 72 more.
Identifiers: ClinVar variation 867415 (VCV000867415.3), dbSNP rs2051876869, ClinGen allele CA916080080.

Conditions:
Breast-ovarian cancer, familial, susceptibility to, 1 (BROVCA1). Also called: BRCA1 Hereditary Breast and Ovarian Cancer; OVARIAN CANCER, SUSCEPTIBILITY TO. Identifiers: Orphanet 145, MedGen C2676676, MONDO:0011450, OMIM 604370. Disease mechanism: loss of function.

Submission:

Brotman Baty Institute, University of Washington
No classification provided (evidence only). Condition: Breast-ovarian cancer, familial 1. Review status: no classification provided. Collection method: in vitro. Allele origin: not applicable. Functional consequence: functionally_normal.
ClinVar note: "not provided" was previously submitted as the classification for the variant. However, the classification appeared to be based only on an observation of functional data so it was converted to no classification on 2025-07-30.